The following is an entry in ClinVar:

NM_001370259.2(MEN1):c.1740G>A (p.Thr580=)

Gene: MEN1 (menin 1; minus strand). Cytogenetic location: 11q13.1.
Variant type: single nucleotide variant.
Coding change: c.1740G>A on transcript NM_001370259.2 (MANE Select); coding-DNA position 1740, G replaced by A.
Protein change: p.Thr580=; no amino-acid change (threonine 580 retained).
Molecular consequence: synonymous variant.
Genome position (GRCh38, 1-based): chr11:64,804,427, C>T on the plus strand (G>A on the coding strand, the complement: MEN1 is on the minus strand). VCF-style: chr11-64804427-C-T. GRCh37 (hg19) VCF-style: chr11-64571899-C-T.
Other names: c.1740G>A, p.Thr580= (NM_001370261.2, NM_001370260.2, NM_130799.3); c.1635G>A, p.Thr545= (NM_001370262.2, NM_001370263.2); c.1755G>A, p.Thr585= (NM_130801.3, NM_130802.3, NM_130803.3 and 3 more transcripts); c.1866G>A, p.Thr622= (NM_001370251.2).
Identifiers: ClinVar variation 772039 (VCV000772039.11), dbSNP rs1114167530, ClinGen allele CA475163135.

ClinVar aggregate classification (germline): Benign/Likely benign. Review status: criteria provided, multiple submitters, no conflicts (2 of 4 stars). 3 submissions from 3 submitters: Benign (1); Likely benign (2). Last evaluated 2025-10-27.

Conditions:
Hereditary cancer-predisposing syndrome. Also called: Neoplastic Syndromes, Hereditary; Hereditary neoplastic syndrome; Tumor predisposition; Hereditary Cancer Syndrome. Identifiers: Orphanet 140162, MedGen C0027672, MeSH D009386, MONDO:0015356.
Multiple endocrine neoplasia, type 1 (MEN1). Also called: MEN I; MEA I; Endocrine adenomatosis multiple; MEN 1; WERMER SYNDROME. Identifiers: Orphanet 652, MedGen C0025267, MeSH D018761, MONDO:0007540, OMIM 131100.

Allele frequency attached by ClinVar (database versions not stated): gnomAD 0.00001; 1000 Genomes Project 30x 0.00016; gnomAD exomes below 0.00001.
gnomAD v4.1: 6 of 1,614,176 alleles (0.00037%); highest among the groups gnomAD compares: East Asian, 0.0022%; no homozygotes.

Submissions (3):

Labcorp Genetics (formerly Invitae), Labcorp
Classification: Likely benign for Multiple endocrine neoplasia, type 1. Last evaluated: 2025-10-27. Review status: criteria provided, single submitter. Criteria: Invitae Variant Classification Sherloc (09022015). Collection method: clinical testing. Allele origin: germline.

Myriad Genetics, Inc.
Classification: Benign for Multiple endocrine neoplasia, type 1. Last evaluated: 2024-11-05. Review status: criteria provided, single submitter. Criteria: Myriad Autosomal Dominant, Autosomal Recessive and X-Linked Classification Criteria (2023). Collection method: clinical testing. Allele origin: unknown.
Comment: This variant is considered benign. This variant is a silent/synonymous amino acid change and it is not expected to impact splicing.

Ambry Genetics
Classification: Likely benign for Hereditary cancer-predisposing syndrome. Last evaluated: 2020-10-14. Review status: criteria provided, single submitter. Criteria: Ambry Variant Classification Scheme 2023. Collection method: clinical testing. Allele origin: germline.